The following is an entry in ClinVar:

NM_014425.5(INVS):c.2350C>T (p.Pro784Ser)

Gene: INVS (inversin; plus strand). Cytogenetic location: 9q31.1.
Variant type: single nucleotide variant.
Coding change: c.2350C>T on transcript NM_014425.5 (MANE Select); coding-DNA position 2350, C replaced by T.
Protein change: p.Pro784Ser; replaces proline 784 with serine.
Molecular consequence: missense variant. On other transcripts: non-coding transcript variant (1).
Genome position (GRCh38, 1-based): chr9:100,292,607, C>T. VCF-style: chr9-100292607-C-T. GRCh37 (hg19) VCF-style: chr9-103054889-C-T.
Other names: c.2062C>T, p.Pro688Ser (NM_001318381.2); c.1372C>T, p.Pro458Ser (NM_001318382.2); short protein forms P688S, P458S, P784S.
Identifiers: ClinVar variation 1464174 (VCV001464174.6), dbSNP rs772382992, ClinGen allele CA5158605.

ClinVar aggregate classification (germline): Uncertain significance (1 of 4 stars; one submission).

Conditions:
Nephronophthisis. Also called: Juvenile Nephronophthisis. Identifiers: Orphanet 655, MedGen C0687120, MONDO:0019005, HP:0000090.

Allele frequency attached by ClinVar (database versions not stated): gnomAD exomes below 0.00001; ExAC 0.00001.
gnomAD v4.1: 2 of 1,614,150 alleles (0.00012%); highest among the groups gnomAD compares: Non-Finnish European, 0.000085%; no homozygotes.

Submission:

Labcorp Genetics (formerly Invitae), Labcorp
Classification: Uncertain significance for Nephronophthisis. Last evaluated: 2022-07-27. Review status: criteria provided, single submitter. Criteria: Invitae Variant Classification Sherloc (09022015). Collection method: clinical testing. Allele origin: germline.
Comment: This sequence change replaces proline, which is neutral and non-polar, with serine, which is neutral and polar, at codon 784 of the INVS protein (p.Pro784Ser). This variant is present in population databases (rs772382992, gnomAD 0.0009%). This variant has not been reported in the literature in individuals affected with INVS-related conditions. ClinVar contains an entry for this variant (Variation ID: 1464174). Algorithms developed to predict the effect of missense changes on protein structure and function output the following: SIFT: "Tolerated"; PolyPhen-2: "Benign"; Align-GVGD: "Class C0". The serine amino acid residue is found in multiple mammalian species, which suggests that this missense change does not adversely affect protein function. In summary, the available evidence is currently insufficient to determine the role of this variant in disease. Therefore, it has been classified as a Variant of Uncertain Significance.